The following is an entry in ClinVar:

NM_002354.3(EPCAM):c.704T>G (p.Val235Gly)

Gene: EPCAM (epithelial cell adhesion molecule; plus strand). Cytogenetic location: 2p21.
Variant type: single nucleotide variant.
Coding change: c.704T>G on transcript NM_002354.3 (MANE Select); coding-DNA position 704, T replaced by G.
Protein change: p.Val235Gly; replaces valine 235 with glycine.
Molecular consequence: missense variant.
Genome position (GRCh38, 1-based): chr2:47,379,815, T>G. VCF-style: chr2-47379815-T-G. GRCh37 (hg19) VCF-style: chr2-47606954-T-G.
Other names: short protein forms V235G.
Identifiers: ClinVar variation 3222134 (VCV003222134.1), dbSNP rs2465472743, ClinGen allele CA346724422.

ClinVar aggregate classification (germline): Uncertain significance (1 of 4 stars; one submission).

Conditions:
Hereditary cancer-predisposing syndrome. Also called: Tumor predisposition; Hereditary neoplastic syndrome; Hereditary Cancer Syndrome; Neoplastic Syndromes, Hereditary. Identifiers: Orphanet 140162, MedGen C0027672, MeSH D009386, MONDO:0015356.

Submission:

Ambry Genetics
Classification: Uncertain significance for Hereditary cancer-predisposing syndrome. Last evaluated: 2023-11-17. Review status: criteria provided, single submitter. Criteria: Ambry Variant Classification Scheme 2023. Collection method: clinical testing. Allele origin: germline.
Comment: The p.V235G variant (also known as c.704T>G), located in coding exon 7 of the EPCAM gene, results from a T to G substitution at nucleotide position 704. The valine at codon 235 is replaced by glycine, an amino acid with dissimilar properties. This amino acid position is conserved. In addition, the in silico prediction for this alteration is inconclusive. Since supporting evidence is limited at this time, the clinical significance of this alteration remains unclear.